The following is an entry in ClinVar:

NM_023110.3(FGFR1):c.2328C>G (p.Tyr776Ter)

Gene: FGFR1 (fibroblast growth factor receptor 1; minus strand). Cytogenetic location: 8p11.23.
Variant type: single nucleotide variant.
Coding change: c.2328C>G on transcript NM_023110.3 (MANE Select); coding-DNA position 2328, C replaced by G.
Protein change: p.Tyr776Ter; replaces tyrosine 776 with a stop codon.
Molecular consequence: nonsense. On other transcripts: intron variant (3).
Genome position (GRCh38, 1-based): chr8:38,413,769, G>C on the plus strand (C>G on the coding strand, the complement: FGFR1 is on the minus strand). VCF-style: chr8-38413769-G-C. GRCh37 (hg19) VCF-style: chr8-38271287-G-C.
Other names: c.2061C>G, p.Tyr687Ter (NM_001174066.2, NM_023105.3); c.2421C>G, p.Tyr807Ter (NM_001174067.2); c.2049C>G, p.Tyr683Ter (NM_001354368.2); c.2316C>G, p.Tyr772Ter (NM_001410922.1); c.2322C>G, p.Tyr774Ter (NM_015850.4, NM_001174063.2, NM_001174065.2); c.2055C>G, p.Tyr685Ter (NM_023106.3); c.2019+149C>G (NM_001354370.2); c.2286+149C>G (NM_001354367.2); and 2 more; short protein forms Y683*, Y685*, Y687*, Y766*, Y772*, Y774*, Y776*, Y807*.
Identifiers: ClinVar variation 4881418 (VCV004881418.2).
Genomic context (GRCh38, chr8:38,413,769, plus strand): 5'-GAAGACGGAATCCTCCCCTGAGGAGCACGTAGAGCTCCGGGTGTCGGGAAAGCTGGGGGA[G>C]TACTGGTCCAGGGGCATGGACAGGTCCAGGTACTCCTGTGATGGGCGAGAGGAAGCAGCG-3'

ClinVar aggregate classification (germline): Likely pathogenic (1 of 4 stars; one submission).

Conditions:
Hypogonadotropic hypogonadism 2 with or without anosmia (HH2). Also called: HYPOGONADOTROPIC HYPOGONADISM 2 WITHOUT ANOSMIA; HYPOGONADOTROPIC HYPOGONADISM 2 WITH OR WITHOUT ANOSMIA, SUSCEPTIBILITY TO; HYPOGONADOTROPIC HYPOGONADISM 2 WITHOUT ANOSMIA, SUSCEPTIBILITY TO; FGFR1-Related GnRH Deficiency (Kallmann Syndrome 2). Identifiers: Orphanet 478, MedGen C1563720, MONDO:0007844, OMIM 147950. Disease mechanism: loss of function.

Submission:

Dasa
Classification: Likely pathogenic for hypogonadotropic hypogonadism 2 with or without anosmia. Last evaluated: 2025-11-06. Review status: criteria provided, single submitter. Criteria: DASA Assertion Criteria. Collection method: clinical testing. Allele origin: germline.
Comment: NM_023110.3(FGFR1):c.2328C>G (p.Tyr776*) is a nonsense variant in FGFR1 predicted to introduce a premature termination codon and is predicted to result in an absent or altered protein product. Loss of function is an established disease mechanism for FGFR1 (PMID: 12627230; PMID: 15605412; PMID: 19489874). Also, this variant is absent from population databases. Based on the currently available evidence, this variant is classified as likely pathogenic.

Literature cited by the submitters: PubMed 12627230; PubMed 15605412; PubMed 19489874.